The following is an entry in ClinVar:

ClinVar aggregate classification (germline): Uncertain significance (1 of 4 stars; one submission).

gnomAD v4.1: 5 of 1,614,212 alleles (0.00031%); highest among the groups gnomAD compares: Non-Finnish European, 0.00042%; no homozygotes.

Submission:

Women's Health and Genetics/Laboratory Corporation of America, LabCorp
Classification: Uncertain significance. Last evaluated: 2024-05-23. Review status: criteria provided, single submitter. Criteria: LabCorp Variant Classification Summary - May 2015. Collection method: clinical testing. Allele origin: germline.
Comment: Variant summary: KCNJ1 c.890T>C (p.Leu297Ser) results in a non-conservative amino acid change located in the Inward rectifier potassium channel, C-terminal domain (IPR041647) of the encoded protein sequence. Five of five in-silico tools predict a damaging effect of the variant on protein function. The variant was absent in 251240 control chromosomes. The available data on variant occurrences in the general population are insufficient to allow any conclusion about variant significance. c.890T>C has been reported in the literature in at least two compound heterozygous individuals affected with Bartter Syndrome, Type 2 (Brochard_2009). These data do not allow any conclusion about variant significance. To our knowledge, no experimental evidence demonstrating an impact on protein function has been reported. The following publication has been ascertained in the context of this evaluation (PMID: 19096086). No submitters have cited clinical-significance assessments for this variant to ClinVar. Based on the evidence outlined above, the variant was classified as uncertain significance.

Literature cited by the submitters: PubMed 19096086.

NM_153766.3(KCNJ1):c.833T>C (p.Leu278Ser)

Gene: KCNJ1 (potassium inwardly rectifying channel subfamily J member 1; minus strand). Cytogenetic location: 11q24.3.
Variant type: single nucleotide variant.
Coding change: c.833T>C on transcript NM_153766.3 (MANE Select); coding-DNA position 833, T replaced by C.
Protein change: p.Leu278Ser; replaces leucine 278 with serine.
Molecular consequence: missense variant.
Genome position (GRCh38, 1-based): chr11:128,839,411, A>G on the plus strand (T>C on the coding strand, the complement: KCNJ1 is on the minus strand). VCF-style: chr11-128839411-A-G. GRCh37 (hg19) VCF-style: chr11-128709306-A-G.
Other names: c.890T>C, p.Leu297Ser (NM_000220.6); c.833T>C, p.Leu278Ser (NM_153764.3, NM_153767.4); c.884T>C, p.Leu295Ser (NM_153765.3); short protein forms L278S, L295S, L297S.
Identifiers: ClinVar variation 3336410 (VCV003336410.1).